The following is an entry in ClinVar:

NM_003072.5(SMARCA4):c.4471C>G (p.Arg1491Gly)

Gene: SMARCA4 (SWI/SNF related BAF chromatin remodeling complex subunit ATPase 4; plus strand). Cytogenetic location: 19p13.2.
Variant type: single nucleotide variant.
Coding change: c.4471C>G on transcript NM_003072.5 (MANE Select); coding-DNA position 4471, C replaced by G.
Protein change: p.Arg1491Gly; replaces arginine 1491 with glycine.
Molecular consequence: missense variant. On other transcripts: non-coding transcript variant (1).
Genome position (GRCh38, 1-based): chr19:11,058,301, C>G. VCF-style: chr19-11058301-C-G. GRCh37 (hg19) VCF-style: chr19-11168977-C-G.
Other names: c.4471C>G, p.Arg1491Gly (NM_001128844.3); c.4381C>G, p.Arg1461Gly (NM_001128845.2); c.4378C>G, p.Arg1460Gly (NM_001128846.2); c.4372C>G, p.Arg1458Gly (NM_001128847.4, NM_001374457.1); c.4369C>G, p.Arg1457Gly (NM_001128848.2); c.4567C>G, p.Arg1523Gly (NM_001128849.3, NM_001387283.1); c.4468C>G, p.Arg1490Gly (NM_001411150.1); short protein forms R1457G, R1523G, R1458G, R1461G, R1490G, R1491G, R1460G.
Identifiers: ClinVar variation 3798890 (VCV003798890.1).

ClinVar aggregate classification (germline): Uncertain significance (1 of 4 stars; one submission).

Conditions:
Hereditary cancer-predisposing syndrome. Also called: Neoplastic Syndromes, Hereditary; Hereditary Cancer Syndrome; Tumor predisposition; Hereditary neoplastic syndrome. Identifiers: Orphanet 140162, MedGen C0027672, MeSH D009386, MONDO:0015356.

Submission:

Ambry Genetics
Classification: Uncertain significance for Hereditary cancer-predisposing syndrome. Last evaluated: 2024-12-31. Review status: criteria provided, single submitter. Criteria: Ambry Variant Classification Scheme 2023. Collection method: clinical testing. Allele origin: germline.
Comment: The p.R1523G variant (also known as c.4567C>G), located in coding exon 31 of the SMARCA4 gene, results from a C to G substitution at nucleotide position 4567. The arginine at codon 1523 is replaced by glycine, an amino acid with dissimilar properties. This amino acid position is conserved. In addition, the in silico prediction for this alteration is inconclusive. Based on the available evidence, the clinical significance of this variant remains unclear.